The following is an entry in ClinVar:

ClinVar aggregate classification (germline): Uncertain significance (1 of 4 stars; one submission).

gnomAD v4.1: 1 of 1,614,128 alleles (0.000062%); highest among the groups gnomAD compares: Non-Finnish European, 0.000085%; no homozygotes.

Submission:

Ambry Genetics
Classification: Uncertain significance. Last evaluated: 2024-09-01. Review status: criteria provided, single submitter. Criteria: Ambry Variant Classification Scheme 2023. Collection method: clinical testing. Allele origin: germline.
Comment: The p.P485T variant (also known as c.1453C>A), located in coding exon 6 of the PALLD gene, results from a C to A substitution at nucleotide position 1453. The proline at codon 485 is replaced by threonine, an amino acid with highly similar properties. This amino acid position is conserved. In addition, the in silico prediction for this alteration is inconclusive. Based on the available evidence, the clinical significance of this variant remains unclear.

NM_001166108.2(PALLD):c.1453C>A (p.Pro485Thr)

Gene: PALLD (palladin, cytoskeletal associated protein; plus strand). Cytogenetic location: 4q32.3.
Variant type: single nucleotide variant.
Coding change: c.1453C>A on transcript NM_001166108.2 (MANE Select); coding-DNA position 1453, C replaced by A.
Protein change: p.Pro485Thr; replaces proline 485 with threonine.
Molecular consequence: missense variant.
Genome position (GRCh38, 1-based): chr4:168,690,720, C>A. VCF-style: chr4-168690720-C-A. GRCh37 (hg19) VCF-style: chr4-169611871-C-A.
Other names: c.307C>A, p.Pro103Thr (NM_001166109.2); c.1453C>A, p.Pro485Thr (NM_016081.4); short protein forms P485T, P103T.
Identifiers: ClinVar variation 3413610 (VCV003413610.1).